The following is an entry in ClinVar:

ClinVar aggregate classification (germline): Pathogenic/Likely pathogenic. Review status: criteria provided, multiple submitters, no conflicts (2 of 4 stars). 2 submissions from 2 submitters: Pathogenic (1); Likely pathogenic (1). Last evaluated 2021-07-10.

Conditions:
Abnormality of the musculature. Identifiers: MedGen C4021745, HP:0003011.
Autosomal recessive limb-girdle muscular dystrophy type 2T. Also called: MUSCULAR DYSTROPHY-DYSTROGLYCANOPATHY, LIMB-GIRDLE, GMPPB-RELATED; MUSCULAR DYSTROPHY, LIMB-GIRDLE, TYPE 2T; Muscular dystrophy-dystroglycanopathy (limb-girdle), type c, 14; Limb-girdle muscular dystrophy-dystroglycanopathy, type C14. Identifiers: Orphanet 363623, MedGen C4518000, MONDO:0014142, OMIM 615352.
Muscular dystrophy-dystroglycanopathy (congenital with brain and eye anomalies), type A14. Also called: Muscular dystrophy-dystroglycanopathy (congenital with brain and eye anomalies), type a, 14; WALKER-WARBURG SYNDROME OR MUSCLE-EYE-BRAIN DISEASE, GMPPB-RELATED; Congenital Muscular Dystrophy-Dystroglycanopathy with Brain and Eye Anomalies Type A 14; Congenital muscular dystrophy-dystroglycanopathy with brain and eye anomalies, type A14. Identifiers: Orphanet 588, MedGen C3809216, MONDO:0014140, OMIM 615350.
Muscular dystrophy-dystroglycanopathy (congenital with impaired intellectual development), type B, 14. Also called: MUSCULAR DYSTROPHY, CONGENITAL, GMPPB-RELATED; Muscular dystrophy-dystroglycanopathy (congenital with intellectual disability), type B14; Congenital muscular dystrophy-dystroglycanopathy with mental retardation, type B14. Identifiers: MedGen C3809221, MONDO:0014141, OMIM 615351.

Submissions (2):

Kariminejad - Najmabadi Pathology & Genetics Center
Classification: Likely pathogenic for Abnormality of the musculature. Last evaluated: 2021-07-10. Review status: criteria provided, single submitter. Criteria: ACMG Guidelines, 2015. Collection method: clinical testing. Allele origin: germline. Affected: yes.

Labcorp Genetics (formerly Invitae), Labcorp
Classification: Pathogenic for Autosomal recessive limb-girdle muscular dystrophy type 2T; Muscular dystrophy-dystroglycanopathy (congenital with brain and eye anomalies), type A14; Muscular dystrophy-dystroglycanopathy (congenital with impaired intellectual development), type B, 14. Last evaluated: 2017-06-05. Review status: criteria provided, single submitter. Criteria: Invitae Variant Classification Sherloc (09022015). Collection method: clinical testing. Allele origin: germline.
Comment: This sequence change creates a premature translational stop signal (p.Thr153Argfs*17) in the GMPPB gene. It is expected to result in an absent or disrupted protein product. This variant is not present in population databases (ExAC no frequency). This variant has not been reported in the literature in individuals with a GMPPB-related disease. Loss-of-function variants in GMPPB are known to be pathogenic Â¬â€ (PMID: 23768512). For these reasons, this variant has been classified as Pathogenic.

NM_021971.4(GMPPB):c.458_459del (p.Thr153fs)

Gene: GMPPB (GDP-mannose pyrophosphorylase B; minus strand). Cytogenetic location: 3p21.31.
Variant type: Microsatellite.
Coding change: c.458_459del on transcript NM_021971.4 (MANE Select); coding-DNA positions 458 to 459, 2 bases deleted (CA; older notation c.458_459delCA).
Protein change: p.Thr153fs; shifts the reading frame from threonine 153.
Molecular consequence: frameshift variant.
Genome position (GRCh38, 1-based): chr3:49,722,698-49,722,699, TG deleted on the plus strand (CA on the coding strand, the reverse complement: GMPPB is on the minus strand); deleting any 2 consecutive bases within chr3:49,722,698-49,722,702 gives the same sequence; the c. name uses the placement nearest the transcript's 3' end. VCF-style (leftmost placement, unchanged base first): chr3-49722697-CTG-C. GRCh37 (hg19) VCF-style: chr3-49760130-CTG-C.
Other names: c.458_459delCA (NM_021971.4); c.458_459del, p.Thr153fs (NM_013334.4); short protein forms T153fs.
Identifiers: ClinVar variation 474017 (VCV000474017.22), dbSNP rs1553691918, ClinGen allele CA658657302.